The following is an entry in ClinVar:

ClinVar aggregate classification (germline): Benign/Likely benign. Review status: criteria provided, multiple submitters, no conflicts (2 of 4 stars). 9 submissions from 9 submitters: Benign (6); Likely benign (2). 1 of the submissions does not count toward it. Last evaluated 2026-02-04.

Conditions:
Cardiovascular phenotype. Identifiers: MedGen CN230736.
TRDN-related disorder. Also called: TRDN-related condition.
Catecholaminergic polymorphic ventricular tachycardia 5 (CARDAR). Also called: Ventricular tachycardia, catecholaminergic polymorphic, 5, with or without muscle weakness; CARDIAC ARRHYTHMIA SYNDROME, WITH OR WITHOUT SKELETAL MUSCLE WEAKNESS. Identifiers: Orphanet 3286, MedGen C3809536, MONDO:0014191, OMIM 615441.
Catecholaminergic polymorphic ventricular tachycardia 1. Also called: VENTRICULAR TACHYCARDIA, STRESS-INDUCED POLYMORPHIC 1; VENTRICULAR TACHYCARDIA, CATECHOLAMINERGIC POLYMORPHIC, 1, WITH OR WITHOUT ATRIAL DYSFUNCTION AND/OR DILATED CARDIOMYOPATHY; RYR2-Related Catecholaminergic Polymorphic Ventricular Tachycardia. Identifiers: Orphanet 3286, MedGen C1631597, MONDO:0011484, OMIM 604772.

Allele frequency attached by ClinVar (database versions not stated): gnomAD exomes 0.00100 and 0.00271; ExAC 0.00519; ESP Exome Variant Server 0.01049; gnomAD 0.01149 and 0.01214; TOPMed 0.01286; 1000 Genomes Project 0.01318; 1000 Genomes Project 30x 0.01483.
gnomAD v4.1: 3,270 of 1,591,380 alleles (0.21%); highest among the groups gnomAD compares: African/African-American, 3.9%; 72 homozygotes.

Submissions (9):

Labcorp Genetics (formerly Invitae), Labcorp
Classification: Benign for Catecholaminergic polymorphic ventricular tachycardia 1. Last evaluated: 2026-02-04. Review status: criteria provided, single submitter. Criteria: Invitae Variant Classification Sherloc (09022015). Collection method: clinical testing. Allele origin: germline.

Molecular Diagnostic Laboratory for Inherited Cardiovascular Disease, Montreal Heart Institute
Classification: Likely benign. Last evaluated: 2025-04-09. Review status: criteria provided, single submitter. Criteria: ACMG Guidelines, 2015. Collection method: clinical testing. Allele origin: germline. Affected: no.

ARUP Laboratories, Molecular Genetics and Genomics, ARUP Laboratories
Classification: Benign for Catecholaminergic polymorphic ventricular tachycardia 5. Last evaluated: 2024-11-01. Review status: criteria provided, single submitter. Criteria: ARUP Molecular Germline Variant Investigation Process 2024. Collection method: clinical testing. Allele origin: germline.

Women's Health and Genetics/Laboratory Corporation of America, LabCorp
Classification: Likely benign. Last evaluated: 2024-01-15. Review status: criteria provided, single submitter. Criteria: LabCorp Variant Classification Summary - May 2015. Collection method: clinical testing. Allele origin: germline.

Mayo Clinic Laboratories, Mayo Clinic
Classification: Benign. Last evaluated: 2023-08-29. Review status: criteria provided, single submitter. Criteria: ACMG Guidelines, 2015. Collection method: clinical testing. Allele origin: germline. Observed: 5 variant alleles.
Comment: BA1, BP4

GeneDx
Classification: Benign. Last evaluated: 2016-11-11. Review status: criteria provided, single submitter. Criteria: GeneDx Variant Classification (06012015). Collection method: clinical testing. Allele origin: germline. Affected: yes.
Comment: This variant is considered likely benign or benign based on one or more of the following criteria: it is a conservative change, it occurs at a poorly conserved position in the protein, it is predicted to be benign by multiple in silico algorithms, and/or has population frequency not consistent with disease.

Ambry Genetics
Classification: Benign for Cardiovascular phenotype. Last evaluated: 2015-08-04. Review status: criteria provided, single submitter. Criteria: Ambry Variant Classification Scheme 2023. Collection method: clinical testing. Allele origin: germline.

Laboratory for Molecular Medicine, Mass General Brigham Personalized Medicine
Classification: Benign. Last evaluated: 2014-11-24. Review status: criteria provided, single submitter. Criteria: LMM Criteria. Collection method: clinical testing. Allele origin: germline. Observed: 5 variant alleles.
Comment: Ser340Asn in exon 12 of TRDN: This variant is not expected to have clinical sign ificance because it has been identified in 3.3% (123/3682) of African American c hromosomes from a broad population by the NHLBI Exome Sequencing Project (dbSNP rs35766971).

PreventionGenetics, part of Exact Sciences
Classification: Benign for TRDN-related condition. Last evaluated: 2019-03-29. Review status: no assertion criteria provided. Collection method: clinical testing. Allele origin: germline. Not counted in ClinVar's aggregate classification.
Comment: This variant is classified as benign based on ACMG/AMP sequence variant interpretation guidelines (Richards et al. 2015 PMID: 25741868, with internal and published modifications).

NM_006073.4(TRDN):c.1016G>A (p.Ser339Asn)

Gene: TRDN (triadin; minus strand). Cytogenetic location: 6q22.31.
Variant type: single nucleotide variant.
Coding change: c.1016G>A on transcript NM_006073.4 (MANE Select); coding-DNA position 1016, G replaced by A.
Protein change: p.Ser339Asn; replaces serine 339 with asparagine.
Molecular consequence: missense variant.
Genome position (GRCh38, 1-based): chr6:123,438,098, C>T on the plus strand (G>A on the coding strand, the complement: TRDN is on the minus strand). VCF-style: chr6-123438098-C-T. GRCh37 (hg19) VCF-style: chr6-123759243-C-T.
Other names: c.1019G>A, p.Ser340Asn (NM_001251987.2); short protein forms S339N, S340N.
Identifiers: ClinVar variation 227102 (VCV000227102.33), dbSNP rs35766971, ClinGen allele CA3984177.